The following is an entry in ClinVar:

ClinVar aggregate classification (germline): Uncertain significance (1 of 4 stars; one submission).

Allele frequency attached by ClinVar (database versions not stated): gnomAD exomes below 0.00001.
gnomAD v4.1: 1 of 1,611,232 alleles (0.000062%); highest among the groups gnomAD compares: Non-Finnish European, 0.000085%; no homozygotes.

Submission:

Labcorp Genetics (formerly Invitae), Labcorp
Classification: Uncertain significance. Last evaluated: 2024-11-11. Review status: criteria provided, single submitter. Criteria: Invitae Variant Classification Sherloc (09022015). Collection method: clinical testing. Allele origin: germline.
Comment: This sequence change replaces leucine, which is neutral and non-polar, with proline, which is neutral and non-polar, at codon 21 of the NCSTN protein (p.Leu21Pro). This variant is not present in population databases (gnomAD no frequency). This variant has not been reported in the literature in individuals affected with NCSTN-related conditions. ClinVar contains an entry for this variant (Variation ID: 2013837). An algorithm developed to predict the effect of missense changes on protein structure and function (PolyPhen-2) suggests that this variant is likely to be tolerated. In summary, the available evidence is currently insufficient to determine the role of this variant in disease. Therefore, it has been classified as a Variant of Uncertain Significance.

NM_015331.3(NCSTN):c.62T>C (p.Leu21Pro)

Gene: NCSTN (nicastrin; plus strand). Cytogenetic location: 1q23.2.
Variant type: single nucleotide variant.
Coding change: c.62T>C on transcript NM_015331.3 (MANE Select); coding-DNA position 62, T replaced by C.
Protein change: p.Leu21Pro; replaces leucine 21 with proline.
Molecular consequence: missense variant. On other transcripts: 5 prime UTR variant (1).
Genome position (GRCh38, 1-based): chr1:160,343,458, T>C. VCF-style: chr1-160343458-T-C. GRCh37 (hg19) VCF-style: chr1-160313248-T-C.
Other names: c.-138T>C (NM_001290184.2); c.62T>C, p.Leu21Pro (NM_001290186.2, NM_001349729.2); short protein forms L21P.
Identifiers: ClinVar variation 2013837 (VCV002013837.4), dbSNP rs2525487202, ClinGen allele CA343274460.